The following is an entry in ClinVar:

NM_001368882.1(COL13A1):c.803del (p.Pro268fs)

Gene: COL13A1 (collagen type XIII alpha 1 chain; plus strand). Cytogenetic location: 10q22.1.
Variant type: Deletion.
Coding change: c.803del on transcript NM_001368882.1 (MANE Select); coding-DNA position 803, one base deleted (C; older notation c.803delC).
Protein change: p.Pro268fs; shifts the reading frame from proline 268.
Molecular consequence: frameshift variant.
Genome position (GRCh38, 1-based): chr10:69,902,800, C deleted; the last of 6 consecutive C bases (chr10:69,902,795-69,902,800); deleting any one gives the same sequence. VCF-style (leftmost placement, unchanged base first): chr10-69902794-GC-G. GRCh37 (hg19) VCF-style: chr10-71662550-GC-G.
Other names: NM_080805.4:c.680del; c.833del, p.Pro278fs (NM_001130103.2); c.803del, p.Pro268fs (NM_001320951.2, NM_001368884.1); c.767del, p.Pro256fs (NM_001368883.1, NM_001368885.1, NM_080801.4 and 1 more transcripts); c.203del, p.Pro68fs (NM_001368886.1); c.713del, p.Pro238fs (NM_001368895.1); c.662del, p.Pro221fs (NM_001368896.1, NM_001368898.1, NM_080798.4); c.689del, p.Pro230fs (NM_001368897.1); and 2 more; short protein forms P221fs, P259fs, P268fs, P68fs, P227fs, P238fs, P278fs, P230fs.
Identifiers: ClinVar variation 2412708 (VCV002412708.1), dbSNP rs2544717844, ClinGen allele CA594259153.
Genomic context (GRCh38, chr10:69,902,794, plus strand): 5'-TCCATGAACCTCAGGGCGAACAGAGCCAGGCCAGCATCCAAGGTCCACCAGGGCCCCCAG[GC>G]CCCCCTGGACCAAGTGGACCTCTGGGGCACCCAGGACTGCCAGGGCCTATGGGGCCACCT-3'

ClinVar aggregate classification (germline): Likely pathogenic (1 of 4 stars; one submission).

Conditions:
Congenital myasthenic syndrome 19. Identifiers: Orphanet 590, MedGen C4225235, MONDO:0014745, OMIM 616720.

Submission:

Broad Center for Mendelian Genomics, Broad Institute of MIT and Harvard
Classification: Likely pathogenic for Congenital myasthenic syndrome 19. Last evaluated: 2023-01-25. Review status: criteria provided, single submitter. Criteria: ACMG Guidelines, 2015. Collection method: curation. Allele origin: germline. Inheritance: Autosomal recessive inheritance.
Comment: The p.Pro278LeufsTer65 variant in COL13A1 has not been previously reported in individuals with congenital myasthenic syndrome 19. Data from large population studies is insufficient to assess the frequency of this variant. This variant is predicted to cause a frameshift, which alters the protein‚Äôs amino acid sequence beginning at position 278 and leads to a premature termination codon 65 amino acids downstream. This alteration is then predicted to lead to a truncated or absent protein. Loss of function of the COL13A1 gene is an established disease mechanism in autosomal recessive congenital myasthenic syndrome 19. In summary, although additional studies are required to fully establish its clinical significance, this variant is likely pathogenic for autosomal recessive congenital myasthenic syndrome 19. ACMG/AMP Criteria applied: PVS1, PM3_Supporting (Richards 2015).